The following is an entry in ClinVar:

ClinVar aggregate classification (germline): Uncertain significance (1 of 4 stars; one submission).

Allele frequency attached by ClinVar (database versions not stated): gnomAD exomes below 0.00001.
gnomAD v4.1: 1 of 1,602,482 alleles (0.000062%); highest among the groups gnomAD compares: Non-Finnish European, 0.000085%; no homozygotes.

Submission:

Labcorp Genetics (formerly Invitae), Labcorp
Classification: Uncertain significance. Last evaluated: 2020-12-30. Review status: criteria provided, single submitter. Criteria: Invitae Variant Classification Sherloc (09022015). Collection method: clinical testing. Allele origin: germline.
Comment: In summary, the available evidence is currently insufficient to determine the role of this variant in disease. Therefore, it has been classified as a Variant of Uncertain Significance. Advanced modeling of protein sequence and biophysical properties (such as structural, functional, and spatial information, amino acid conservation, physicochemical variation, residue mobility, and thermodynamic stability) performed at Invitae indicates that this missense variant is not expected to disrupt PCDH12 protein function. This variant has not been reported in the literature in individuals with PCDH12-related conditions. This variant is not present in population databases (ExAC no frequency). This sequence change replaces proline with leucine at codon 14 of the PCDH12 protein (p.Pro14Leu). The proline residue is moderately conserved and there is a moderate physicochemical difference between proline and leucine.

NM_016580.4(PCDH12):c.41C>T (p.Pro14Leu)

Genes: PCDH12 (protocadherin 12; minus strand), RNF14 (ring finger protein 14; plus strand). Cytogenetic location: 5q31.3.
Variant type: single nucleotide variant.
Coding change: c.41C>T on transcript NM_016580.4 (MANE Select); coding-DNA position 41, C replaced by T.
Protein change: p.Pro14Leu; replaces proline 14 with leucine.
Molecular consequence: missense variant.
Genome position (GRCh38, 1-based): chr5:141,957,811, G>A on the plus strand (C>T on the coding strand, the complement: PCDH12 is on the minus strand). VCF-style: chr5-141957811-G-A. GRCh37 (hg19) VCF-style: chr5-141337376-G-A.
Other names: short protein forms P14L.
Identifiers: ClinVar variation 1498549 (VCV001498549.8), dbSNP rs2126931522, ClinGen allele CA361592633.